The following is an entry in ClinVar:

ClinVar aggregate classification (germline): Uncertain significance (1 of 4 stars; one submission).

Allele frequency attached by ClinVar (database versions not stated): ExAC 0.00002; gnomAD 0.00002; TOPMed 0.00002; gnomAD exomes 0.00003.
gnomAD v4.1: 47 of 1,613,534 alleles (0.0029%); highest among the groups gnomAD compares: African/African-American, 0.0053%; no homozygotes.

Submission:

Labcorp Genetics (formerly Invitae), Labcorp
Classification: Uncertain significance. Last evaluated: 2021-12-02. Review status: criteria provided, single submitter. Criteria: Invitae Variant Classification Sherloc (09022015). Collection method: clinical testing. Allele origin: germline.
Comment: This sequence change replaces proline, which is neutral and non-polar, with leucine, which is neutral and non-polar, at codon 587 of the DOCK6 protein (p.Pro587Leu). This variant is present in population databases (rs748910971, gnomAD 0.01%). This variant has not been reported in the literature in individuals affected with DOCK6-related conditions. Algorithms developed to predict the effect of missense changes on protein structure and function (SIFT, PolyPhen-2, Align-GVGD) all suggest that this variant is likely to be tolerated. In summary, the available evidence is currently insufficient to determine the role of this variant in disease. Therefore, it has been classified as a Variant of Uncertain Significance.

NM_020812.4(DOCK6):c.1760C>T (p.Pro587Leu)

Gene: DOCK6 (dedicator of cytokinesis 6; minus strand). Cytogenetic location: 19p13.2.
Variant type: single nucleotide variant.
Coding change: c.1760C>T on transcript NM_020812.4 (MANE Select); coding-DNA position 1760, C replaced by T.
Protein change: p.Pro587Leu; replaces proline 587 with leucine.
Molecular consequence: missense variant.
Genome position (GRCh38, 1-based): chr19:11,238,188, G>A on the plus strand (C>T on the coding strand, the complement: DOCK6 is on the minus strand). VCF-style: chr19-11238188-G-A. GRCh37 (hg19) VCF-style: chr19-11348864-G-A.
Other names: c.1760C>T, p.Pro587Leu (NM_001367830.1); short protein forms P587L.
Identifiers: ClinVar variation 1522206 (VCV001522206.5), dbSNP rs748910971, ClinGen allele CA9207875.